The following is an entry in ClinVar:

ClinVar aggregate classification (germline): Likely benign (1 of 4 stars; one submission).

Allele frequency attached by ClinVar (database versions not stated): gnomAD 0.00010; TOPMed 0.00010; 1000 Genomes Project 0.00080; 1000 Genomes Project 30x 0.00094.
gnomAD v4.1: 16 of 152,048 alleles (0.011%); highest among the groups gnomAD compares: South Asian, 0.15%; no homozygotes.

Submission:

CeGaT Center for Human Genetics Tuebingen
Classification: Likely benign. Last evaluated: 2026-03-01. Review status: criteria provided, single submitter. Criteria: CeGaT Center For Human Genetics Tuebingen Variant Classification Criteria Version 2. Collection method: clinical testing. Allele origin: germline. Affected: yes. Observed: 4 variant alleles.
Comment: BRAF: BS1

NM_004333.6(BRAF):c.1140+2154G>T

Gene: BRAF (B-Raf proto-oncogene, serine/threonine kinase; minus strand). Cytogenetic location: 7q34.
Variant type: single nucleotide variant.
Coding change: c.1140+2154G>T on transcript NM_004333.6 (MANE Select); 2154 bases into the intron after coding-DNA position 1140, G replaced by T.
Molecular consequence: intron variant.
Genome position (GRCh38, 1-based): chr7:140,792,154, C>A on the plus strand (G>T on the coding strand, the complement: BRAF is on the minus strand). VCF-style: chr7-140792154-C-A. GRCh37 (hg19) VCF-style: chr7-140491954-C-A.
Other names: c.1140+2154G>T (NM_001374244.1, NM_001378474.1, NM_001378471.1 and 4 more transcripts); c.984+2154G>T (NM_001378473.1, NM_001378472.1); c.1038+2154G>T (NM_001378470.1); c.876+2154G>T (NM_001378475.1); c.1149+2154G>T (NM_001378467.1).
Identifiers: ClinVar variation 2658064 (VCV002658064.24), dbSNP rs569165798, ClinGen allele CA168098900.